The following is an entry in ClinVar:

NM_006904.7(PRKDC):c.8268A>T (p.Glu2756Asp)

Gene: PRKDC (protein kinase, DNA-activated, catalytic subunit; minus strand). Cytogenetic location: 8q11.21.
Variant type: single nucleotide variant.
Coding change: c.8268A>T on transcript NM_006904.7 (MANE Select); coding-DNA position 8268, A replaced by T.
Protein change: p.Glu2756Asp; replaces glutamic acid 2756 with aspartic acid.
Molecular consequence: missense variant.
Genome position (GRCh38, 1-based): chr8:47,830,734, T>A on the plus strand (A>T on the coding strand, the complement: PRKDC is on the minus strand). VCF-style: chr8-47830734-T-A. GRCh37 (hg19) VCF-style: chr8-48743295-T-A.
Other names: c.8268A>T, p.Glu2756Asp (NM_001081640.2); short protein forms E2756D.
Identifiers: ClinVar variation 1762684 (VCV001762684.2), dbSNP rs751107248, ClinGen allele CA371147414.

ClinVar aggregate classification (germline): Uncertain significance (1 of 4 stars; one submission).

Submission:

Ambry Genetics
Classification: Uncertain significance. Last evaluated: 2022-09-04. Review status: criteria provided, single submitter. Criteria: Ambry Variant Classification Scheme 2023. Collection method: clinical testing. Allele origin: germline.
Comment: The p.E2756D variant (also known as c.8268A>T), located in coding exon 61 of the PRKDC gene, results from an A to T substitution at nucleotide position 8268. The glutamic acid at codon 2756 is replaced by aspartic acid, an amino acid with highly similar properties. This amino acid position is conserved. In addition, this alteration is predicted to be tolerated by in silico analysis. Since supporting evidence is limited at this time, the clinical significance of this alteration remains unclear.